The following is an entry in ClinVar:

ClinVar aggregate classification (germline): Uncertain significance. Review status: criteria provided, multiple submitters, no conflicts (2 of 4 stars). 2 submissions from 2 submitters: Uncertain significance (2). Last evaluated 2024-12-30.

Conditions:
VCAN-related disorder. Also called: VCAN-related condition.

gnomAD v4.1: 7 of 1,613,872 alleles (0.00043%); highest among the groups gnomAD compares: African/African-American, 0.0027%; no homozygotes.

Submissions (2):

PreventionGenetics, part of Exact Sciences
Classification: Uncertain significance for VCAN-related condition. Last evaluated: 2024-12-30. Review status: criteria provided, single submitter. Criteria: ACMG Guidelines, 2015. Collection method: clinical testing. Allele origin: germline.
Comment: The VCAN c.6067G>T variant is predicted to result in the amino acid substitution p.Val2023Phe. To our knowledge, this variant has not been reported in the literature. This variant is reported in 0.011% of alleles in individuals of African descent in gnomAD. At this time, the clinical significance of this variant is uncertain due to the absence of conclusive functional and genetic evidence.

Labcorp Genetics (formerly Invitae), Labcorp
Classification: Uncertain significance. Last evaluated: 2024-07-12. Review status: criteria provided, single submitter. Criteria: Invitae Variant Classification Sherloc (09022015). Collection method: clinical testing. Allele origin: germline.
Comment: This sequence change replaces valine, which is neutral and non-polar, with phenylalanine, which is neutral and non-polar, at codon 2023 of the VCAN protein (p.Val2023Phe). This variant is present in population databases (no rsID available, gnomAD 0.01%). This variant has not been reported in the literature in individuals affected with VCAN-related conditions. ClinVar contains an entry for this variant (Variation ID: 1521157). An algorithm developed to predict the effect of missense changes on protein structure and function (PolyPhen-2) suggests that this variant is likely to be tolerated. In summary, the available evidence is currently insufficient to determine the role of this variant in disease. Therefore, it has been classified as a Variant of Uncertain Significance.

NM_004385.5(VCAN):c.6067G>T (p.Val2023Phe)

Genes: VCAN (versican; plus strand), VCAN-AS1 (VCAN antisense RNA 1; minus strand). Cytogenetic location: 5q14.3.
Variant type: single nucleotide variant.
Coding change: c.6067G>T on transcript NM_004385.5 (MANE Select); coding-DNA position 6067, G replaced by T.
Protein change: p.Val2023Phe; replaces valine 2023 with phenylalanine.
Molecular consequence: missense variant. On other transcripts: intron variant (2).
Genome position (GRCh38, 1-based): chr5:83,539,070, G>T. VCF-style: chr5-83539070-G-T. GRCh37 (hg19) VCF-style: chr5-82834889-G-T.
Other names: c.6067G>T (NM_004385.4); c.3106G>T, p.Val1036Phe (NM_001164097.2); c.4004-6467G>T (NM_001164098.2); c.1043-6467G>T (NM_001126336.3); short protein forms V2023F, V1036F.
Identifiers: ClinVar variation 1521157 (VCV001521157.11), dbSNP rs765705867, ClinGen allele CA360311754.
Genomic context (GRCh38, chr5:83,539,070, plus strand): 5'-GAGTTTACATCCTCAGCTGAGGGCTCAGGTGAGCAACTGGTCACAGTCAGCAGCTCTGTT[G>T]TTCCAGTGCTTCCCAGTGCTGTGCAAAAGTTTTCTGGTACAGCTTCCTCCATTATCGACG-3'
Protein context (NP_004376.2, residues 2013-2033): EQLVTVSSSV[Val2023Phe]PVLPSAVQKF